The following is an entry in ClinVar:

ClinVar aggregate classification (germline): Uncertain significance (1 of 4 stars; one submission).

Conditions:
Klippel-Feil syndrome 1, autosomal dominant (KFS1). Also called: CERVICAL VERTEBRAL FUSION, AUTOSOMAL DOMINANT. Identifiers: Orphanet 2345, MedGen C1861689, MONDO:0007306, OMIM 118100.
Isolated microphthalmia 4. Identifiers: Orphanet 2542, MedGen C2751307, MONDO:0013130, OMIM 613094.
Leber congenital amaurosis 17 (LCA17). Identifiers: Orphanet 65, MedGen C3715164, MONDO:0014145, OMIM 615360.
Microphthalmia, isolated, with coloboma 6 (MCOPCB6). Also called: Microphthalmia with coloboma 6, digenic; Microphthalmia with coloboma 6; MICROPHTHALMIA/COLOBOMA 6. Identifiers: Orphanet 98938, MedGen C3150968, MONDO:0013376, OMIM 613703.

Submission:

Labcorp Genetics (formerly Invitae), Labcorp
Classification: Uncertain significance for Isolated microphthalmia 4; Leber congenital amaurosis 17; Klippel-Feil syndrome 1, autosomal dominant; Microphthalmia, isolated, with coloboma 6. Last evaluated: 2024-04-29. Review status: criteria provided, single submitter. Criteria: Invitae Variant Classification Sherloc (09022015). Collection method: clinical testing. Allele origin: germline.
Comment: This sequence change replaces proline, which is neutral and non-polar, with arginine, which is basic and polar, at codon 252 of the GDF6 protein (p.Pro252Arg). This variant is not present in population databases (gnomAD no frequency). This variant has not been reported in the literature in individuals affected with GDF6-related conditions. An algorithm developed to predict the effect of missense changes on protein structure and function (PolyPhen-2) suggests that this variant is likely to be tolerated. In summary, the available evidence is currently insufficient to determine the role of this variant in disease. Therefore, it has been classified as a Variant of Uncertain Significance.

NM_001001557.4(GDF6):c.755C>G (p.Pro252Arg)

Gene: GDF6 (growth differentiation factor 6; minus strand). Cytogenetic location: 8q22.1.
Variant type: single nucleotide variant.
Coding change: c.755C>G on transcript NM_001001557.4 (MANE Select); coding-DNA position 755, C replaced by G.
Protein change: p.Pro252Arg; replaces proline 252 with arginine.
Molecular consequence: missense variant.
Genome position (GRCh38, 1-based): chr8:96,145,176, G>C on the plus strand (C>G on the coding strand, the complement: GDF6 is on the minus strand). VCF-style: chr8-96145176-G-C. GRCh37 (hg19) VCF-style: chr8-97157404-G-C.
Other names: short protein forms P252R.
Identifiers: ClinVar variation 2921535 (VCV002921535.3), dbSNP rs2487830521, ClinGen allele CA371751932.